The following is an entry in ClinVar:

NM_024675.4(PALB2):c.3154G>C (p.Asp1052His)

Gene: PALB2 (partner and localizer of BRCA2; minus strand). Cytogenetic location: 16p12.2.
Variant type: single nucleotide variant.
Coding change: c.3154G>C on transcript NM_024675.4 (MANE Select); coding-DNA position 3154, G replaced by C.
Protein change: p.Asp1052His; replaces aspartic acid 1052 with histidine.
Molecular consequence: missense variant. On other transcripts: intron variant (3).
Genome position (GRCh38, 1-based): chr16:23,614,051, C>G on the plus strand (G>C on the coding strand, the complement: PALB2 is on the minus strand). VCF-style: chr16-23614051-C-G. GRCh37 (hg19) VCF-style: chr16-23625372-C-G.
Other names: c.3094G>C, p.Asp1032His (NM_001407296.1); c.3082G>C, p.Asp1028His (NM_001407297.1); c.2992G>C, p.Asp998His (NM_001407298.1, NM_001407302.1); c.2875G>C, p.Asp959His (NM_001407300.1); c.3154G>C, p.Asp1052His (NM_001407301.1); c.2269G>C, p.Asp757His (NM_001407304.1, NM_001407305.1, NM_001407306.1 and 2 more transcripts); c.2107G>C, p.Asp703His (NM_001407307.1); c.1366G>C, p.Asp456His (NM_001407312.1, NM_001407313.1); and 3 more; short protein forms D1028H, D1032H, D1052H, D230H, D456H, D703H, D757H, D959H.
Identifiers: ClinVar variation 3240019 (VCV003240019.2), dbSNP rs878855116.

ClinVar aggregate classification (germline): Uncertain significance. Review status: criteria provided, multiple submitters, no conflicts (2 of 4 stars). 2 submissions from 2 submitters: Uncertain significance (2). Last evaluated 2025-04-19.

Conditions:
Hereditary cancer-predisposing syndrome. Also called: Neoplastic Syndromes, Hereditary; Tumor predisposition; Hereditary neoplastic syndrome; Hereditary Cancer Syndrome. Identifiers: Orphanet 140162, MedGen C0027672, MeSH D009386, MONDO:0015356.
Familial cancer of breast. Also called: BREAST CANCER, FAMILIAL; Hereditary breast cancer; hereditary breast carcinoma. Identifiers: Orphanet 227535, MedGen C0346153, MONDO:0016419, OMIM 114480. Disease mechanism: loss of function.

Submissions (2):

Ambry Genetics
Classification: Uncertain significance for Hereditary cancer-predisposing syndrome. Last evaluated: 2025-04-19. Review status: criteria provided, single submitter. Criteria: Ambry Variant Classification Scheme 2023. Collection method: clinical testing. Allele origin: germline.
Comment: The p.D1052H variant (also known as c.3154G>C), located in coding exon 11 of the PALB2 gene, results from a G to C substitution at nucleotide position 3154. The aspartic acid at codon 1052 is replaced by histidine, an amino acid with similar properties. This amino acid position is conserved. In addition, this alteration is predicted to be tolerated by in silico analysis. Based on the available evidence, the clinical significance of this variant remains unclear.

Baylor Genetics
Classification: Uncertain significance for Familial cancer of breast. Last evaluated: 2023-11-15. Review status: criteria provided, single submitter. Criteria: ACMG Guidelines, 2015. Collection method: clinical testing. Allele origin: unknown.